The following is an entry in ClinVar:

ClinVar aggregate classification (germline): Likely benign (1 of 4 stars; one submission).

Allele frequency attached by ClinVar (database versions not stated): gnomAD 0.00353; TOPMed 0.00386; 1000 Genomes Project 0.00419; 1000 Genomes Project 30x 0.00484.
gnomAD v4.1: 610 of 152,206 alleles (0.4%); highest among the groups gnomAD compares: African/African-American, 1.3%; 7 homozygotes.

Submission:

GeneDx
Classification: Likely benign. Last evaluated: 2018-06-14. Review status: criteria provided, single submitter. Criteria: GeneDx Variant Classification (06012015). Collection method: clinical testing. Allele origin: germline. Affected: yes.
Comment: This variant is considered likely benign or benign based on one or more of the following criteria: it is a conservative change, it occurs at a poorly conserved position in the protein, it is predicted to be benign by multiple in silico algorithms, and/or has population frequency not consistent with disease.

NM_001371727.1(GABRB2):c.832+241C>A

Gene: GABRB2 (gamma-aminobutyric acid type A receptor subunit beta2; minus strand). Cytogenetic location: 5q34.
Variant type: single nucleotide variant.
Coding change: c.832+241C>A on transcript NM_001371727.1 (MANE Select); 241 bases into the intron after coding-DNA position 832, C replaced by A.
Molecular consequence: intron variant.
Genome position (GRCh38, 1-based): chr5:161,334,511, G>T on the plus strand (C>A on the coding strand, the complement: GABRB2 is on the minus strand). VCF-style: chr5-161334511-G-T. GRCh37 (hg19) VCF-style: chr5-160761518-G-T.
Other names: c.832+241C>A (NM_000813.3, NM_021911.3).
Identifiers: ClinVar variation 677616 (VCV000677616.1), dbSNP rs73797576, ClinGen allele CA131020386.